The following is an entry in ClinVar:

NM_001290321.3(DMXL1):c.3716G>C (p.Cys1239Ser)

Gene: DMXL1 (Dmx like 1; plus strand). Cytogenetic location: 5q23.1.
Variant type: single nucleotide variant.
Coding change: c.3716G>C on transcript NM_001290321.3 (MANE Select); coding-DNA position 3716, G replaced by C.
Protein change: p.Cys1239Ser; replaces cysteine 1239 with serine.
Molecular consequence: missense variant. On other transcripts: non-coding transcript variant (3).
Genome position (GRCh38, 1-based): chr5:119,149,543, G>C. VCF-style: chr5-119149543-G-C. GRCh37 (hg19) VCF-style: chr5-118485238-G-C.
Other names: c.3716G>C, p.Cys1239Ser (NM_001349239.2, NM_001349240.2, NM_001387933.1 and 2 more transcripts); c.3011G>C, p.Cys1004Ser (NM_001387937.1); c.2729G>C, p.Cys910Ser (NM_001387938.1); short protein forms C1004S, C1239S, C910S.
Identifiers: ClinVar variation 3059682 (VCV003059682.2), dbSNP rs112912947, ClinGen allele CA3379995.

ClinVar aggregate classification (germline): Benign (0 of 4 stars; one submission).

Conditions:
DMXL1-related disorder. Also called: DMXL1-related condition.

Allele frequency attached by ClinVar (database versions not stated): gnomAD exomes 0.00512; ExAC 0.01455; ESP Exome Variant Server 0.01776; gnomAD 0.01786; TOPMed 0.02128; 1000 Genomes Project 0.02177; 1000 Genomes Project 30x 0.02280.
gnomAD v4.1: 10,371 of 1,613,878 alleles (0.64%); highest among the groups gnomAD compares: African/African-American, 5%; 222 homozygotes.

Submission:

PreventionGenetics, part of Exact Sciences
Classification: Benign for DMXL1-related condition. Last evaluated: 2019-02-28. Review status: no assertion criteria provided. Collection method: clinical testing. Allele origin: germline.
Comment: This variant is classified as benign based on ACMG/AMP sequence variant interpretation guidelines (Richards et al. 2015 PMID: 25741868, with internal and published modifications).